The following is an entry in ClinVar:

NM_005476.7(GNE):c.1351del (p.Gln451fs)

Gene: GNE (glucosamine (UDP-N-acetyl)-2-epimerase/N-acetylmannosamine kinase; minus strand). Cytogenetic location: 9p13.3.
Variant type: Deletion.
Coding change: c.1351del on transcript NM_005476.7 (MANE Select); coding-DNA position 1351, one base deleted (C; older notation c.1351delC).
Protein change: p.Gln451fs; shifts the reading frame from glutamine 451.
Molecular consequence: frameshift variant.
Genome position (GRCh38, 1-based): chr9:36,223,433, G deleted on the plus strand (C on the coding strand, the reverse complement: GNE is on the minus strand). VCF-style (leftmost placement, unchanged base first): chr9-36223432-TG-T. GRCh37 (hg19) VCF-style: chr9-36223429-TG-T.
Other names: c.1351del, p.Gln451fs (NM_001190383.3); c.1174del, p.Gln392fs (NM_001190388.2, NM_001374798.1); c.1198del, p.Gln400fs (NM_001374797.1); c.1444del, p.Gln482fs (NM_001128227.3); c.1021del, p.Gln341fs (NM_001190384.3); short protein forms Q341fs, Q392fs, Q400fs, Q451fs, Q482fs.
Identifiers: ClinVar variation 4068794 (VCV004068794.2).
Genomic context (GRCh38, chr9:36,223,432, plus strand): 5'-CCTACTCCCAAAATTCTGCAGTTCAGTTTTACAGCTTCTGCTGCAGCTTCCACACACATC[TG>T]TAGGATTAAATTAATCCTCTCTTCATAGGTTTTAGGATTGAACTGAGTATACTTCTTAAC-3'

ClinVar aggregate classification (germline): Likely pathogenic (1 of 4 stars; one submission).

Conditions:
GNE myopathy (NM). Also called: INCLUSION BODY MYOPATHY, HEREDITARY, AUTOSOMAL RECESSIVE; MYOPATHY, DISTAL, WITH OR WITHOUT RIMMED VACUOLES; INCLUSION BODY MYOPATHY 2, AUTOSOMAL RECESSIVE; IBM 2; Inclusion body myopathy autosomal recessive; Inclusion body myopathy quadriceps sparing. Identifiers: Orphanet 602, MedGen C1853926, MONDO:0011603, OMIM 605820.

Submission:

Natera, Inc.
Classification: Likely pathogenic for Nonaka myopathy. Last evaluated: 2025-03-13. Review status: criteria provided, single submitter. Criteria: Natera Variant Classification Schema (03/2026). Collection method: clinical testing. Allele origin: germline.
Comment: The c.1444del variant in GNE is a frameshift variant predicted to shift the reading frame beginning at codon 482 and leads to a stop codon 11 codons downstream. This variant is expected to result in nonsense mediated decay, truncation, or a dysfunctional protein product. This variant is rare in the general population with a frequency below the threshold expected for the associated phenotype(s). Given the available evidence, this variant is classified as Likely Pathogenic.